The following is an entry in ClinVar:

NM_006922.4(SCN3A):c.5637G>T (p.Met1879Ile)

Gene: SCN3A (sodium voltage-gated channel alpha subunit 3; minus strand). Cytogenetic location: 2q24.3.
Variant type: single nucleotide variant.
Coding change: c.5637G>T on transcript NM_006922.4 (MANE Select); coding-DNA position 5637, G replaced by T.
Protein change: p.Met1879Ile; replaces methionine 1879 with isoleucine.
Molecular consequence: missense variant.
Genome position (GRCh38, 1-based): chr2:165,090,516, C>A on the plus strand (G>T on the coding strand, the complement: SCN3A is on the minus strand). VCF-style: chr2-165090516-C-A. GRCh37 (hg19) VCF-style: chr2-165947026-C-A.
Other names: c.5490G>T, p.Met1830Ile (NM_001081676.2, NM_001081677.2); short protein forms M1830I, M1879I.
Identifiers: ClinVar variation 4745720 (VCV004745720.1).

ClinVar aggregate classification (germline): Uncertain significance (1 of 4 stars; one submission).

Submission:

Labcorp Genetics (formerly Invitae), Labcorp
Classification: Uncertain significance. Last evaluated: 2025-07-06. Review status: criteria provided, single submitter. Criteria: Invitae Variant Classification Sherloc (09022015). Collection method: clinical testing. Allele origin: germline.
Comment: This sequence change replaces methionine, which is neutral and non-polar, with isoleucine, which is neutral and non-polar, at codon 1879 of the SCN3A protein (p.Met1879Ile). This variant is not present in population databases (gnomAD no frequency). This variant has not been reported in the literature in individuals affected with SCN3A-related conditions. Invitae Evidence Modeling of protein sequence and biophysical properties (such as structural, functional, and spatial information, amino acid conservation, physicochemical variation, residue mobility, and thermodynamic stability) has been performed for this missense variant. However, the output from this modeling did not meet the statistical confidence thresholds required to predict the impact of this variant on SCN3A protein function. In summary, the available evidence is currently insufficient to determine the role of this variant in disease. Therefore, it has been classified as a Variant of Uncertain Significance.